The following is an entry in ClinVar:

NM_001267550.2(TTN):c.23099-3T>C

Gene: TTN (titin; minus strand). Cytogenetic location: 2q31.2.
Variant type: single nucleotide variant.
Coding change: c.23099-3T>C on transcript NM_001267550.2 (MANE Select); 3 bases into the intron before coding-DNA position 23099, T replaced by C.
Molecular consequence: intron variant.
Genome position (GRCh38, 1-based): chr2:178,720,666, A>G on the plus strand (T>C on the coding strand, the complement: TTN is on the minus strand). VCF-style: chr2-178720666-A-G. GRCh37 (hg19) VCF-style: chr2-179585393-A-G.
Other names: p.?; c.13282+17416T>C (NM_003319.4); c.13858+17416T>C (NM_133437.4); c.13657+17416T>C (NM_133432.3); c.19367-3T>C (NM_133378.4); c.22148-3T>C (NM_001256850.1).
Identifiers: ClinVar variation 46710 (VCV000046710.36), dbSNP rs2562830, ClinGen allele CA282850.

ClinVar aggregate classification (germline): Benign. Review status: criteria provided, multiple submitters, no conflicts (2 of 4 stars). 23 submissions from 16 submitters: Benign (21). 2 of the submissions do not count toward it. Last evaluated 2026-02-04.

Conditions:
Dilated cardiomyopathy 1G (CMD1G). Identifiers: Orphanet 154, MedGen C1858763, MONDO:0011400, OMIM 604145.
Autosomal recessive limb-girdle muscular dystrophy type 2J (LGMDR10). Also called: MUSCULAR DYSTROPHY, LIMB-GIRDLE, AUTOSOMAL RECESSIVE 10; Limb-girdle muscular dystrophy, type 2J. Identifiers: Orphanet 140922, MedGen C1837342, MONDO:0012127, OMIM 608807.
Cardiovascular phenotype. Identifiers: MedGen CN230736.
Early-onset myopathy with fatal cardiomyopathy (CMYO5). Also called: CONGENITAL MYOPATHY 5 WITH CARDIOMYOPATHY; Salih Myopathy. Identifiers: Orphanet 289377, MedGen C2673677, MONDO:0012714, OMIM 611705. Disease mechanism: loss of function.
Myopathy, myofibrillar, 9, with early respiratory failure (MFM9). Also called: Myopathy, distal, with early respiratory failure, autosomal dominant; Hereditary myopathy with early respiratory failure; MYOPATHY, PROXIMAL, WITH EARLY RESPIRATORY MUSCLE INVOLVEMENT; EDSTROM MYOPATHY. Identifiers: Orphanet 178464, Orphanet 34521, MedGen C1863599, MONDO:0011362, OMIM 603689.
Tibial muscular dystrophy (TMD). Also called: Udd Distal Myopathy – Tibial Muscular Dystrophy; Tibial muscular dystrophy, tardive; UDD MYOPATHY. Identifiers: Orphanet 609, MedGen C1838244, MONDO:0010870, OMIM 600334.

Allele frequency attached by ClinVar (database versions not stated): gnomAD exomes 0.23873 and 0.30857; gnomAD 0.31717 and 0.31174; 1000 Genomes Project 30x 0.45628; TOPMed 0.33863; ESP Exome Variant Server 0.28165; ExAC 0.32316; 1000 Genomes Project 0.46006.
gnomAD v4.1: 387,675 of 1,567,300 alleles (25%); highest among the groups gnomAD compares: East Asian, 65%; 57,241 homozygotes.

Submissions (23):

Labcorp Genetics (formerly Invitae), Labcorp
Classification: Benign for Dilated cardiomyopathy 1G; Autosomal recessive limb-girdle muscular dystrophy type 2J. Last evaluated: 2026-02-04. Review status: criteria provided, single submitter. Criteria: Invitae Variant Classification Sherloc (09022015). Collection method: clinical testing. Allele origin: germline.

Molecular Diagnostic Laboratory for Inherited Cardiovascular Disease, Montreal Heart Institute
Classification: Benign. Last evaluated: 2025-04-09. Review status: criteria provided, single submitter. Criteria: ACMG Guidelines, 2015. Collection method: clinical testing. Allele origin: germline. Affected: no.

Genome-Nilou Lab
Classification: Benign for Autosomal recessive limb-girdle muscular dystrophy type 2J. Last evaluated: 2021-09-10. Review status: criteria provided, single submitter. Criteria: ACMG Guidelines, 2015. Collection method: clinical testing. Allele origin: germline. Affected: no.

Genome-Nilou Lab
Classification: Benign for Myopathy, myofibrillar, 9, with early respiratory failure. Last evaluated: 2021-09-10. Review status: criteria provided, single submitter. Criteria: ACMG Guidelines, 2015. Collection method: clinical testing. Allele origin: germline. Affected: no.

Genome-Nilou Lab
Classification: Benign for Early-onset myopathy with fatal cardiomyopathy. Last evaluated: 2021-09-10. Review status: criteria provided, single submitter. Criteria: ACMG Guidelines, 2015. Collection method: clinical testing. Allele origin: germline. Affected: no.

Genome-Nilou Lab
Classification: Benign for Tibial muscular dystrophy. Last evaluated: 2021-09-10. Review status: criteria provided, single submitter. Criteria: ACMG Guidelines, 2015. Collection method: clinical testing. Allele origin: germline. Affected: no.

Women's Health and Genetics/Laboratory Corporation of America, LabCorp
Classification: Benign. Last evaluated: 2019-08-16. Review status: criteria provided, single submitter. Criteria: LabCorp Variant Classification Summary - May 2015. Collection method: clinical testing. Allele origin: germline.

Athena Diagnostics
Classification: Benign. Last evaluated: 2018-11-02. Review status: criteria provided, single submitter. Criteria: Athena Diagnostics Criteria. Collection method: clinical testing. Allele origin: germline.

Illumina Laboratory Services, Illumina
Classification: Benign for Early-onset myopathy with fatal cardiomyopathy. Last evaluated: 2018-01-12. Review status: criteria provided, single submitter. Criteria: ICSL Variant Classification Criteria 13 December 2019. Collection method: clinical testing. Allele origin: germline.
Comment: This variant was observed in the ICSL laboratory as part of a predisposition screen in an ostensibly healthy population. It had not been previously curated by ICSL or reported in the Human Gene Mutation Database (HGMD: prior to June 1st, 2018), and was therefore a candidate for classification through an automated scoring system. Utilizing variant allele frequency, disease prevalence and penetrance estimates, and inheritance mode, an automated score was calculated to assess if this variant is too frequent to cause the disease. Based on the score and internal cut-off values, a variant classified as benign is not then subjected to further curation. The score for this variant resulted in a classification of benign for this disease.

Illumina Laboratory Services, Illumina
Classification: Benign for Myopathy, myofibrillar, 9, with early respiratory failure. Last evaluated: 2018-01-12. Review status: criteria provided, single submitter. Criteria: ICSL Variant Classification Criteria 13 December 2019. Collection method: clinical testing. Allele origin: germline.
Comment: the same text as in the submission from Illumina Laboratory Services, Illumina above.

Illumina Laboratory Services, Illumina
Classification: Benign for Tibial muscular dystrophy. Last evaluated: 2018-01-12. Review status: criteria provided, single submitter. Criteria: ICSL Variant Classification Criteria 13 December 2019. Collection method: clinical testing. Allele origin: germline.
Comment: the same text as in the submission from Illumina Laboratory Services, Illumina above.

Illumina Laboratory Services, Illumina
Classification: Benign for Autosomal recessive limb-girdle muscular dystrophy type 2J. Last evaluated: 2018-01-12. Review status: criteria provided, single submitter. Criteria: ICSL Variant Classification Criteria 13 December 2019. Collection method: clinical testing. Allele origin: germline.
Comment: the same text as in the submission from Illumina Laboratory Services, Illumina above.

Illumina Laboratory Services, Illumina
Classification: Benign for Dilated cardiomyopathy 1G. Last evaluated: 2018-01-12. Review status: criteria provided, single submitter. Criteria: ICSL Variant Classification Criteria 13 December 2019. Collection method: clinical testing. Allele origin: germline.
Comment: the same text as in the submission from Illumina Laboratory Services, Illumina above.

Mayo Clinic Laboratories, Mayo Clinic
Classification: Benign. Last evaluated: 2017-10-04. Review status: criteria provided, single submitter. Criteria: ACMG Guidelines, 2015. Collection method: clinical testing. Allele origin: germline. Observed: 1,110 variant alleles.

Genetic Services Laboratory, University of Chicago
Classification: Benign for AllHighlyPenetrant. Last evaluated: 2013-08-15. Review status: criteria provided, single submitter. Criteria: ACMG Guidelines, 2007. Collection method: clinical testing. Allele origin: germline.

Eurofins Ntd Llc (ga)
Classification: Benign. Last evaluated: 2013-07-24. Review status: criteria provided, single submitter. Criteria: EGL Classification Definitions 2015. Collection method: clinical testing. Allele origin: germline. Observed: 18 variant alleles, 15 heterozygotes, 3 homozygotes.

Ambry Genetics
Classification: Benign for Cardiovascular phenotype. Last evaluated: 2013-01-14. Review status: criteria provided, single submitter. Criteria: Ambry Autosomal Dominant and X-Linked criteria (10/2015). Collection method: clinical testing. Allele origin: germline. Observed: 1 variant allele.

GeneDx
Classification: Benign. Last evaluated: 2012-10-31. Review status: criteria provided, single submitter. Criteria: GeneDx Variant Classification (06012015). Collection method: clinical testing. Allele origin: germline. Affected: yes.
Comment: This variant is considered likely benign or benign based on one or more of the following criteria: it is a conservative change, it occurs at a poorly conserved position in the protein, it is predicted to be benign by multiple in silico algorithms, and/or has population frequency not consistent with disease.

Laboratory for Molecular Medicine, Mass General Brigham Personalized Medicine
Classification: Benign. Last evaluated: 2011-09-27. Review status: criteria provided, single submitter. Criteria: LMM Criteria. Collection method: clinical testing. Allele origin: germline. Observed: 878 variant alleles.

Breakthrough Genomics
Classification: Benign. Review status: criteria provided, single submitter. Criteria: ACMG Guidelines, 2015. Collection method: not provided. Allele origin: germline. Inheritance: Autosomal recessive inheritance. Affected: yes.

PreventionGenetics, part of Exact Sciences
Classification: Benign. Review status: criteria provided, single submitter. Criteria: ACMG Guidelines, 2015. Collection method: clinical testing. Allele origin: germline.

Clinical Genetics DNA and cytogenetics Diagnostics Lab, Erasmus MC, Erasmus Medical Center
Classification: Benign. Review status: no assertion criteria provided. Collection method: clinical testing. Allele origin: germline. Affected: yes. Study: VKGL Data-share Consensus. Not counted in ClinVar's aggregate classification.

Clinical Genetics, Academic Medical Center
Classification: Benign. Review status: no assertion criteria provided. Collection method: clinical testing. Allele origin: germline. Affected: yes. Study: VKGL Data-share Consensus. Not counted in ClinVar's aggregate classification.